The following is an entry in ClinVar:

ClinVar aggregate classification (germline): Uncertain significance. Review status: criteria provided, multiple submitters, no conflicts (2 of 4 stars). 2 submissions from 2 submitters: Uncertain significance (2). Last evaluated 2025-07-29.

Conditions:
SLC44A4-related disorder. Also called: SLC44A4-related condition.

Allele frequency attached by ClinVar (database versions not stated): gnomAD exomes 0.00001; ExAC 0.00002.
gnomAD v4.1: 16 of 1,614,048 alleles (0.00099%); highest among the groups gnomAD compares: South Asian, 0.016%; no homozygotes.

Submissions (2):

PreventionGenetics, part of Exact Sciences
Classification: Uncertain significance for SLC44A4-related condition. Last evaluated: 2025-07-29. Review status: criteria provided, single submitter. Criteria: ACMG Guidelines, 2015. Collection method: clinical testing. Allele origin: germline.
Comment: The SLC44A4 c.676G>A variant is predicted to result in the amino acid substitution p.Ala226Thr. To our knowledge, this variant has not been reported in the literature. This variant is reported in 0.0098% of alleles in individuals of South Asian descent in gnomAD. At this time, the clinical significance of this variant is uncertain due to the absence of conclusive functional and genetic evidence.

Labcorp Genetics (formerly Invitae), Labcorp
Classification: Uncertain significance. Last evaluated: 2022-01-14. Review status: criteria provided, single submitter. Criteria: Invitae Variant Classification Sherloc (09022015). Collection method: clinical testing. Allele origin: germline.
Comment: This variant is present in population databases (rs777994294, gnomAD 0.01%). In summary, the available evidence is currently insufficient to determine the role of this variant in disease. Therefore, it has been classified as a Variant of Uncertain Significance. Algorithms developed to predict the effect of missense changes on protein structure and function are either unavailable or do not agree on the potential impact of this missense change (SIFT: "Not Available"; PolyPhen-2: "Benign"; Align-GVGD: "Not Available"). This variant has not been reported in the literature in individuals affected with SLC44A4-related conditions. This sequence change replaces alanine, which is neutral and non-polar, with threonine, which is neutral and polar, at codon 226 of the SLC44A4 protein (p.Ala226Thr).

NM_025257.3(SLC44A4):c.676G>A (p.Ala226Thr)

Gene: SLC44A4 (solute carrier family 44 member 4; minus strand). Cytogenetic location: 6p21.33.
Variant type: single nucleotide variant.
Coding change: c.676G>A on transcript NM_025257.3 (MANE Select); coding-DNA position 676, G replaced by A.
Protein change: p.Ala226Thr; replaces alanine 226 with threonine.
Molecular consequence: missense variant.
Genome position (GRCh38, 1-based): chr6:31,871,339, C>T on the plus strand (G>A on the coding strand, the complement: SLC44A4 is on the minus strand). VCF-style: chr6-31871339-C-T. GRCh37 (hg19) VCF-style: chr6-31839116-C-T.
Other names: c.550G>A, p.Ala184Thr (NM_001178044.2); c.448G>A, p.Ala150Thr (NM_001178045.2); c.676G>A (NM_025257.2); short protein forms A150T, A226T, A184T.
Identifiers: ClinVar variation 1521544 (VCV001521544.9), dbSNP rs777994294, ClinGen allele CA3725617.
Genomic context (GRCh38, chr6:31,871,339, plus strand): 5'-CAAGGACACAAGAGGAGGGGAATCTGGTGACTCACACAAGAATCCAATACCAGGACTGGG[C>T]AAAATCTTCAAAGATCTTAACACTGATGTCTCGGGCATTGAGGCTGTCAATAAGACCGCT-3'
Protein context (NP_079533.2, residues 216-236): DISVKIFEDF[Ala226Thr]QSWYWILVAL